The following is an entry in ClinVar:

NM_000540.3(RYR1):c.14201G>A (p.Gly4734Glu)

Gene: RYR1 (ryanodine receptor 1; plus strand). Cytogenetic location: 19q13.2.
Variant type: single nucleotide variant.
Coding change: c.14201G>A on transcript NM_000540.3 (MANE Select); coding-DNA position 14201, G replaced by A.
Protein change: p.Gly4734Glu; replaces glycine 4734 with glutamic acid.
Molecular consequence: missense variant.
Genome position (GRCh38, 1-based): chr19:38,577,946, G>A. VCF-style: chr19-38577946-G-A. GRCh37 (hg19) VCF-style: chr19-39068586-G-A.
Other names: c.14201G>A (NM_000540.2); c.14186G>A, p.Gly4729Glu (NM_001042723.2); short protein forms G4734E, G4729E.
Identifiers: ClinVar variation 133059 (VCV000133059.4), dbSNP rs193922866, ClinGen allele CA024112.
Genomic context (GRCh38, chr19:38,577,946, plus strand): 5'-GTGTCTACACAGCCTGATGCTCTCTTGTGCAGGTCCTGGACAAACATGGGGACATCTACG[G>A]GCGGGAGCGGATTGCTGAGCTACTGGGCATGGACCTGGCCACACTAGAGATCACAGCCCA-3'
Protein context (NP_000531.2, residues 4724-4744): KVLDKHGDIY[Gly4734Glu]RERIAELLGM

ClinVar aggregate classification (germline): Uncertain significance. Review status: reviewed by expert panel (3 of 4 stars). 2 submissions from 2 submitters: Uncertain significance (1). 1 of the submissions does not count toward it. Last evaluated 2025-08-01.

Conditions:
Malignant hyperthermia of anesthesia. Also called: Anesthesic-triggered malignant hyperthermia. Identifiers: Orphanet 423, MedGen C0024591, MONDO:0018493, HP:0034733.

Submissions (2):

ClinGen Malignant Hyperthermia Susceptibility Variant Curation Expert Panel, ClinGen
Classification: Uncertain significance for Malignant hyperthermia of anesthesia. Last evaluated: 2025-08-01. Review status: reviewed by expert panel. Criteria: ClinGen MHS ACMG Specifications V2. Collection method: curation. Allele origin: germline. Inheritance: Autosomal dominant inheritance.
Comment: This pathogenicity assessment is relevant only for malignant hyperthermia susceptibility (MHS) inherited in an autosomal dominant pattern. Variants in RYR1 can also cause other myopathies inherited in an autosomal dominant pattern or in an autosomal recessive pattern. Some of these disorders may predispose individuals to malignant hyperthermia. RYR1 variants may also contribute to a malignant hyperthermia reaction in combination with other genetic and non-genetic factors and the clinician needs to consider such factors in making management decisions. This sequence variant predicts a substitution of glycine with glutamic acid at codon 4734 of the RYR1 protein, p.(Gly4734Glu). This variant was not present in a large population database (gnomAD) at the time this variant was interpreted. This variant has been reported in an individual with a personal or family history of an MH episode and a positive in vitro contracture test (IVCT) or caffeine halothane contracture test (CHCT) result (if the proband was unavailable for testing, a positive diagnostic test result in a mutation-positive relative was counted), PS4_Supporting (PMID: 30236257). A functional study using [3H]ryanodine in HEK293 cells showed altered activity of this variant compared to wild-type but this study did not meet the VCEP criteria for a well-established functional study (PMID:27558158). This variant resides in a region of RYR1 considered to be a hotspot for pathogenic variants that contribute to MHS, PM1_Sup (PMID: 21118704). A REVEL score >0.85 (0.871) supports a pathogenic status for this variant, PP3_Moderate. This variant has been classified as a Variant of Unknown Significance. Criteria implemented: PS4_Supporting, PM1_Supporting, PP3_Moderate.

RYR1 database
No classification provided. Review status: no classification provided. Collection method: not provided. Allele origin: unknown. Not counted in ClinVar's aggregate classification.